The following is an entry in ClinVar:

NM_000782.5(CYP24A1):c.233_234delinsC (p.Gly78fs)

Gene: CYP24A1 (cytochrome P450 family 24 subfamily A member 1; minus strand). Cytogenetic location: 20q13.2.
Variant type: Indel.
Coding change: c.233_234delinsC on transcript NM_000782.5 (MANE Select); coding-DNA positions 233 to 234, GT replaced by C.
Protein change: p.Gly78fs; shifts the reading frame from glycine 78.
Molecular consequence: frameshift variant.
Genome position (GRCh38, 1-based): chr20:54,173,346-54,173,347, AC replaced by G on the plus strand (GT replaced by C on the coding strand, the reverse complement: CYP24A1 is on the minus strand). VCF-style: chr20-54173346-AC-G. GRCh37 (hg19) VCF-style: chr20-52789885-AC-G.
Other names: c.233_234delinsC, p.Gly78fs (NM_001128915.2); short protein forms G78fs.
Identifiers: ClinVar variation 1878365 (VCV001878365.1), dbSNP rs2516403268, ClinGen allele CA2580098288.

ClinVar aggregate classification (germline): Likely pathogenic (1 of 4 stars; one submission).

Conditions:
Hypercalcemia, infantile, 1 (HCINF1). Identifiers: Orphanet 300547, MedGen CN031131, MONDO:0020739, OMIM 143880.

Submission:

Women's Health and Genetics/Laboratory Corporation of America, LabCorp
Classification: Likely pathogenic for Hypercalcemia, infantile, 1. Last evaluated: 2022-12-22. Review status: criteria provided, single submitter. Criteria: LabCorp Variant Classification Summary - May 2015. Collection method: clinical testing. Allele origin: germline.
Comment: Variant summary: CYP24A1 c.233_234delinsC (p.Gly78AlafsX22) results in a premature termination codon, predicted to cause a truncation of the encoded protein or absence of the protein due to nonsense mediated decay, which are commonly known mechanisms for disease. Truncations downstream of this position have been cited as pathogenic and disease-associated in ClinVar and HGMD. The frequency of this variant in the general population could not be determined as the technology used for large population databases (ExAC, gnomAD, ESP, 1000G) cannot detect variants of this type. To our knowledge, no occurrence of c.233_234delinsC in individuals affected with Hypercalcemia, Infantile, 1 and no experimental evidence demonstrating its impact on protein function have been reported. No clinical diagnostic laboratories have submitted clinical-significance assessments for this variant to ClinVar after 2014. Based on the evidence outlined above, the variant was classified as likely pathogenic.